The following is an entry in ClinVar:

NM_000302.4(PLOD1):c.1077A>G (p.Ala359=)

Gene: PLOD1 (procollagen-lysine,2-oxoglutarate 5-dioxygenase 1; plus strand). Cytogenetic location: 1p36.22.
Variant type: single nucleotide variant.
Coding change: c.1077A>G on transcript NM_000302.4 (MANE Select); coding-DNA position 1077, A replaced by G.
Protein change: p.Ala359=; no amino-acid change (alanine 359 retained).
Molecular consequence: synonymous variant.
Genome position (GRCh38, 1-based): chr1:11,960,747, A>G. VCF-style: chr1-11960747-A-G. GRCh37 (hg19) VCF-style: chr1-12020804-A-G.
Other names: c.1218A>G, p.Ala406= (NM_001316320.2).
Identifiers: ClinVar variation 671579 (VCV000671579.5), dbSNP rs1569713675, ClinGen allele CA416105920.

ClinVar aggregate classification (germline): Likely benign. Review status: criteria provided, multiple submitters, no conflicts (2 of 4 stars). 3 submissions from 3 submitters: Likely benign (3). Last evaluated 2024-08-22.

Conditions:
Familial thoracic aortic aneurysm and aortic dissection (TAAD). Also called: Thoracic aortic aneurysms and dissections. Identifiers: Orphanet 91387, MedGen C4707243, MONDO:0019625.
Ehlers-Danlos syndrome, kyphoscoliotic type 1 (EDSKSCL1). Also called: PLOD1-Related Kyphoscoliotic Ehlers-Danlos Syndrome; EHLERS-DANLOS SYNDROME, OCULAR-SCOLIOTIC TYPE; Ehlers-Danlos syndrome, hydroxylysine-deficient; EHLERS-DANLOS SYNDROME, TYPE VIA. Identifiers: Orphanet 1900, MedGen C0268342, MONDO:0016002, OMIM 225400. Disease mechanism: loss of function.

Allele frequency attached by ClinVar (database versions not stated): gnomAD 0.00001.
gnomAD v4.1: 1 of 1,613,160 alleles (0.000062%); highest among the groups gnomAD compares: East Asian, 0.0022%; no homozygotes.

Submissions (3):

Labcorp Genetics (formerly Invitae), Labcorp
Classification: Likely benign for Ehlers-Danlos syndrome, kyphoscoliotic type 1. Last evaluated: 2024-08-22. Review status: criteria provided, single submitter. Criteria: Invitae Variant Classification Sherloc (09022015). Collection method: clinical testing. Allele origin: germline.

Ambry Genetics
Classification: Likely benign for Familial thoracic aortic aneurysm and aortic dissection. Last evaluated: 2024-03-04. Review status: criteria provided, single submitter. Criteria: Ambry Variant Classification Scheme 2023. Collection method: clinical testing. Allele origin: germline.

GeneDx
Classification: Likely benign. Last evaluated: 2018-06-12. Review status: criteria provided, single submitter. Criteria: GeneDx Variant Classification (06012015). Collection method: clinical testing. Allele origin: germline. Affected: yes.
Comment: This variant is considered likely benign or benign based on one or more of the following criteria: it is a conservative change, it occurs at a poorly conserved position in the protein, it is predicted to be benign by multiple in silico algorithms, and/or has population frequency not consistent with disease.